The following is an entry in ClinVar:

ClinVar aggregate classification (germline): Uncertain significance (1 of 4 stars; one submission).

Submission:

Labcorp Genetics (formerly Invitae), Labcorp
Classification: Uncertain significance. Last evaluated: 2025-07-24. Review status: criteria provided, single submitter. Criteria: Invitae Variant Classification Sherloc (09022015). Collection method: clinical testing. Allele origin: germline.
Comment: This sequence change replaces proline, which is neutral and non-polar, with alanine, which is neutral and non-polar, at codon 887 of the CSF2RB protein (p.Pro887Ala). This variant is not present in population databases (gnomAD no frequency). This variant has not been reported in the literature in individuals affected with CSF2RB-related conditions. ClinVar contains an entry for this variant (Variation ID: 3653532). An algorithm developed to predict the effect of missense changes on protein structure and function (PolyPhen-2) suggests that this variant is likely to be disruptive. In summary, the available evidence is currently insufficient to determine the role of this variant in disease. Therefore, it has been classified as a Variant of Uncertain Significance.

NM_000395.3(CSF2RB):c.2659C>G (p.Pro887Ala)

Gene: CSF2RB (colony stimulating factor 2 receptor subunit beta; plus strand). Cytogenetic location: 22q12.3.
Variant type: single nucleotide variant.
Coding change: c.2659C>G on transcript NM_000395.3 (MANE Select); coding-DNA position 2659, C replaced by G.
Protein change: p.Pro887Ala; replaces proline 887 with alanine.
Molecular consequence: missense variant.
Genome position (GRCh38, 1-based): chr22:36,938,467, C>G. VCF-style: chr22-36938467-C-G. GRCh37 (hg19) VCF-style: chr22-37334509-C-G.
Other names: c.2677C>G, p.Pro893Ala (NM_001410827.1); short protein forms P893A, P887A.
Identifiers: ClinVar variation 3653532 (VCV003653532.2).